The following is an entry in ClinVar:

NM_000053.4(ATP7B):c.4116G>C (p.Gln1372His)

Gene: ATP7B (ATPase copper transporting beta; minus strand). Cytogenetic location: 13q14.3.
Variant type: single nucleotide variant.
Coding change: c.4116G>C on transcript NM_000053.4 (MANE Select); coding-DNA position 4116, G replaced by C.
Protein change: p.Gln1372His; replaces glutamine 1372 with histidine.
Molecular consequence: missense variant.
Genome position (GRCh38, 1-based): chr13:51,935,601, C>G on the plus strand (G>C on the coding strand, the complement: ATP7B is on the minus strand). VCF-style: chr13-51935601-C-G. GRCh37 (hg19) VCF-style: chr13-52509737-C-G.
Other names: c.3864G>C, p.Gln1288His (NM_001406532.1, NM_001330579.2, NM_001406531.1); c.3828G>C, p.Gln1276His (NM_001406534.1); c.3786G>C, p.Gln1262His (NM_001406535.1, NM_001406536.1); c.3495G>C, p.Gln1165His (NM_001005918.3); c.3783G>C, p.Gln1261His (NM_001243182.2); c.3882G>C, p.Gln1294His (NM_001330578.2, NM_001406527.1, NM_001406528.1); c.3876G>C, p.Gln1292His (NM_001406530.1); c.3972G>C, p.Gln1324His (NM_001406522.1, NM_001406520.1, NM_001406521.1); and 21 more; short protein forms Q1178H, Q1210H, Q1229H, Q1246H, Q1304H, Q1313H, Q1372H, Q1091H.
Identifiers: ClinVar variation 2774736 (VCV002774736.3), dbSNP rs745363573, ClinGen allele CA388019972.

ClinVar aggregate classification (germline): Uncertain significance. Review status: criteria provided, multiple submitters, no conflicts (2 of 4 stars). 2 submissions from 2 submitters: Uncertain significance (2). Last evaluated 2023-07-19.

Conditions:
Wilson disease (WND). Also called: Wilson's disease. Identifiers: Orphanet 905, MedGen C0019202, MONDO:0010200, OMIM 277900. Disease mechanism: loss of function.

Submissions (2):

All of Us Research Program, National Institutes of Health
Classification: Uncertain significance for Wilson disease. Last evaluated: 2023-07-19. Review status: criteria provided, single submitter. Criteria: ACMG Guidelines, 2015. Collection method: clinical testing. Allele origin: germline. Inheritance: Autosomal recessive inheritance. Observed: 1 variant allele, 1 heterozygote.
Comment: This missense variant replaces glutamine with histidine at codon 1372 of the ATP7B protein. Computational prediction suggests that this variant may have deleterious impact on protein structure and function (internally defined REVEL score threshold >= 0.7, PMID: 27666373). To our knowledge, functional studies have not been reported for this variant. This variant has not been reported in individuals affected with ATP7B-related disorders in the literature. This variant has not been identified in the general population by the Genome Aggregation Database (gnomAD). The available evidence is insufficient to determine the role of this variant in disease conclusively. Therefore, this variant is classified as a Variant of Uncertain Significance.

This study involves interpretation of variants in research participants for the purpose of population health screening. Participant phenotype was not available at the time of variant classification. Additional details can be found in publication PMID: 35346344, PMCID: PMC8962531

Color Diagnostics, LLC DBA Color Health
Classification: Uncertain significance for Wilson disease. Last evaluated: 2023-05-24. Review status: criteria provided, single submitter. Criteria: ACMG Guidelines, 2015. Collection method: clinical testing. Allele origin: germline.
Comment: This missense variant replaces glutamine with histidine at codon 1372 of the ATP7B protein. Computational prediction suggests that this variant may have deleterious impact on protein structure and function (internally defined REVEL score threshold >= 0.7, PMID: 27666373). To our knowledge, functional studies have not been reported for this variant. This variant has not been reported in individuals affected with ATP7B-related disorders in the literature. This variant has not been identified in the general population by the Genome Aggregation Database (gnomAD). The available evidence is insufficient to determine the role of this variant in disease conclusively. Therefore, this variant is classified as a Variant of Uncertain Significance.